The following is an entry in ClinVar:

ClinVar aggregate classification (germline): Conflicting classifications of pathogenicity. Review status: criteria provided, conflicting classifications (1 of 4 stars). 3 submissions from 3 submitters: Uncertain significance (1); Likely benign (2). Last evaluated 2025-09-02.

Conditions:
Psoriasis 2. Identifiers: MedGen C1864497, MONDO:0011269, OMIM 602723.
Pityriasis rubra pilaris (PRP). Also called: Pityriasis rubra pilaris--familial type. Identifiers: Orphanet 2897, MedGen C0032027, MONDO:0100017, OMIM 173200, MONDO:0008251.
Inborn genetic diseases. Identifiers: MedGen C0950123, MeSH D030342.

Allele frequency attached by ClinVar (database versions not stated): ExAC 0.00003; gnomAD exomes 0.00004 and 0.00010; ESP Exome Variant Server 0.00008; gnomAD 0.00008; TOPMed 0.00008.
gnomAD v4.1: 158 of 1,612,238 alleles (0.0098%); highest among the groups gnomAD compares: Non-Finnish European, 0.013%; no homozygotes.

Submissions (3):

Labcorp Genetics (formerly Invitae), Labcorp
Classification: Uncertain significance for Pityriasis rubra pilaris; Psoriasis 2. Last evaluated: 2025-09-02. Review status: criteria provided, single submitter. Criteria: Invitae Variant Classification Sherloc (09022015). Collection method: clinical testing. Allele origin: germline.
Comment: This sequence change replaces glycine, which is neutral and non-polar, with arginine, which is basic and polar, at codon 493 of the CARD14 protein (p.Gly493Arg). This variant is present in population databases (rs374847486, gnomAD 0.01%). This variant has not been reported in the literature in individuals affected with CARD14-related conditions. ClinVar contains an entry for this variant (Variation ID: 851660). Invitae Evidence Modeling of protein sequence and biophysical properties (such as structural, functional, and spatial information, amino acid conservation, physicochemical variation, residue mobility, and thermodynamic stability) indicates that this missense variant is not expected to disrupt CARD14 protein function with a negative predictive value of 95%. In summary, the available evidence is currently insufficient to determine the role of this variant in disease. Therefore, it has been classified as a Variant of Uncertain Significance.

Blueprint Genetics
Classification: Likely benign. Last evaluated: 2024-03-24. Review status: criteria provided, single submitter. Criteria: ACMG Guidelines, 2015. Collection method: clinical testing. Allele origin: germline.

Ambry Genetics
Classification: Likely benign for Inborn genetic diseases. Last evaluated: 2022-08-16. Review status: criteria provided, single submitter. Criteria: Ambry Variant Classification Scheme 2023. Collection method: clinical testing. Allele origin: germline.

NM_001366385.1(CARD14):c.1477G>A (p.Gly493Arg)

Gene: CARD14 (caspase recruitment domain family member 14; plus strand). Cytogenetic location: 17q25.3.
Variant type: single nucleotide variant.
Coding change: c.1477G>A on transcript NM_001366385.1 (MANE Select); coding-DNA position 1477, G replaced by A.
Protein change: p.Gly493Arg; replaces glycine 493 with arginine.
Molecular consequence: missense variant. On other transcripts: non-coding transcript variant (1).
Genome position (GRCh38, 1-based): chr17:80,195,311, G>A. VCF-style: chr17-80195311-G-A. GRCh37 (hg19) VCF-style: chr17-78169110-G-A.
Other names: c.1477G>A, p.Gly493Arg (NM_001257970.1, NM_024110.4); c.766G>A, p.Gly256Arg (NM_052819.3); c.1477G>A (NM_024110.3); short protein forms G256R, G493R.
Identifiers: ClinVar variation 851660 (VCV000851660.10), dbSNP rs374847486, ClinGen allele CA8816840.